The following is an entry in ClinVar:

NM_001110556.2(FLNA):c.5591A>G (p.Asn1864Ser)

Gene: FLNA (filamin A; minus strand). Cytogenetic location: Xq28.
Variant type: single nucleotide variant.
Coding change: c.5591A>G on transcript NM_001110556.2 (MANE Select); coding-DNA position 5591, A replaced by G.
Protein change: p.Asn1864Ser; replaces asparagine 1864 with serine.
Molecular consequence: missense variant.
Genome position (GRCh38, 1-based): chrX:154,354,010, T>C on the plus strand (A>G on the coding strand, the complement: FLNA is on the minus strand). VCF-style: chrX-154354010-T-C. GRCh37 (hg19) VCF-style: chrX-153582378-T-C.
Other names: p.Asn1856Ser; c.5567A>G, p.Asn1856Ser (NM_001456.4); c.5591A>G (NM_001110556.1); short protein forms N1864S, N1856S.
Identifiers: ClinVar variation 405456 (VCV000405456.17), dbSNP rs782095418, ClinGen allele CA10560273.

ClinVar aggregate classification (germline): Conflicting classifications of pathogenicity. Review status: criteria provided, conflicting classifications (1 of 4 stars). 6 submissions from 6 submitters: Uncertain significance (4); Benign (1); Likely benign (1). Last evaluated 2025-09-13.

Conditions:
Oto-palato-digital syndrome, type II (OPD2). Also called: OPD II SYNDROME; Otopalatodigital Syndrome, Type II; FACIOPALATOOSSEOUS SYNDROME; Otopalatodigital Syndrome Type 2 (FLNA-OPD2). Identifiers: Orphanet 669, Orphanet 90652, MedGen C1844696, MONDO:0010571, OMIM 304120.
Melnick-Needles syndrome (MNS). Also called: MELNICK-NEEDLES OSTEODYSPLASTY; OSTEODYSPLASTY OF MELNICK AND NEEDLES; Melnick-Needles Syndrome (FLNA-MNS). Identifiers: Orphanet 2484, MedGen C0025237, MONDO:0010650, OMIM 309350.
Heterotopia, periventricular, X-linked dominant (PVNH1). Also called: PERIVENTRICULAR NODULAR HETEROTOPIA 1; X-linked periventricular heterotopia; PERIVENTRICULAR NODULAR HETEROTOPIA 4; HETEROTOPIA, PERIVENTRICULAR, 1. Identifiers: Orphanet 2149, Orphanet 82004, MedGen C1848213, MONDO:0010233, OMIM 300049.
Frontometaphyseal dysplasia (FMD1). Identifiers: Orphanet 1826, MedGen C0265293, MONDO:0015942.
FLNA-related disorder.
Familial thoracic aortic aneurysm and aortic dissection (TAAD). Also called: Thoracic aortic aneurysms and dissections. Identifiers: Orphanet 91387, MedGen C4707243, MONDO:0019625.

Allele frequency attached by ClinVar (database versions not stated): ExAC 0.00001; gnomAD 0.00001; gnomAD exomes 0.00002.
gnomAD v4.1: 18 of 1,210,728 alleles (0.0015%); highest among the groups gnomAD compares: East Asian, 0.003%; no homozygotes.

Submissions (6):

PreventionGenetics, part of Exact Sciences
Classification: Likely benign for FLNA-related condition. Last evaluated: 2025-09-13. Review status: criteria provided, single submitter. Criteria: ACMG Guidelines, 2015. Collection method: clinical testing. Allele origin: germline.
Comment: This variant is classified as likely benign based on ACMG/AMP sequence variant interpretation guidelines (Richards et al. 2015 PMID: 25741868, with internal and published modifications).

Labcorp Genetics (formerly Invitae), Labcorp
Classification: Benign for Oto-palato-digital syndrome, type II; Heterotopia, periventricular, X-linked dominant; Frontometaphyseal dysplasia; Melnick-Needles syndrome. Last evaluated: 2024-12-22. Review status: criteria provided, single submitter. Criteria: Invitae Variant Classification Sherloc (09022015). Collection method: clinical testing. Allele origin: germline.

GeneDx
Classification: Uncertain significance. Last evaluated: 2024-12-02. Review status: criteria provided, single submitter. Criteria: GeneDx Variant Classification Process June 2021. Collection method: clinical testing. Allele origin: germline. Affected: yes.
Comment: Has not been previously published as pathogenic or benign to our knowledge; In silico analysis supports that this missense variant has a deleterious effect on protein structure/function

Mayo Clinic Laboratories, Mayo Clinic
Classification: Uncertain significance. Last evaluated: 2024-05-24. Review status: criteria provided, single submitter. Criteria: ACMG Guidelines, 2015. Collection method: clinical testing. Allele origin: germline. Observed: 1 variant allele.
Comment: BS2

Centre of Medical Genetics, University Hospital Muenster
Classification: Uncertain significance. Last evaluated: 2021-12-08. Review status: criteria provided, single submitter. Criteria: ACMG Guidelines, 2015. Collection method: clinical testing. Allele origin: unknown. Affected: yes. Observed: 1 variant allele, 1 heterozygote.
Comment: ACMG categories: PM1,PM2

Ambry Genetics
Classification: Uncertain significance for Familial thoracic aortic aneurysm and aortic dissection. Last evaluated: 2019-08-02. Review status: criteria provided, single submitter. Criteria: Ambry Variant Classification Scheme 2023. Collection method: clinical testing. Allele origin: germline.
Comment: The p.N1856S variant (also known as c.5567A>G), located in coding exon 33 of the FLNA gene, results from an A to G substitution at nucleotide position 5567. The asparagine at codon 1856 is replaced by serine, an amino acid with highly similar properties. This amino acid position is highly conserved in available vertebrate species. In addition, this alteration is predicted to be tolerated by in silico analysis. Since supporting evidence is limited at this time, the clinical significance of this alteration remains unclear.